The following is an entry in ClinVar:

NM_178857.6(RP1L1):c.5284G>A (p.Glu1762Lys)

Gene: RP1L1 (RP1 like 1). Cytogenetic location: 8p23.1.
Variant type: single nucleotide variant.
Coding change: c.5284G>A on transcript NM_178857.6 (MANE Select); coding-DNA position 5284, G replaced by A.
Protein change: p.Glu1762Lys; replaces glutamic acid 1762 with lysine.
Molecular consequence: missense variant.
Genome position (GRCh38, 1-based): chr8:10,608,814, C>T on the plus strand (G>A on the coding strand, the complement: RP1L1 is on the minus strand). VCF-style: chr8-10608814-C-T. GRCh37 (hg19) VCF-style: chr8-10466324-C-T.
Other names: short protein forms E1762K.
Identifiers: ClinVar variation 361255 (VCV000361255.11), dbSNP rs141128719, ClinGen allele CA4623706.

ClinVar aggregate classification (germline): Conflicting classifications of pathogenicity. Review status: criteria provided, conflicting classifications (1 of 4 stars). 4 submissions from 4 submitters: Uncertain significance (2); Benign (1); Likely benign (1). Last evaluated 2024-10-09.

Conditions:
Inborn genetic diseases. Identifiers: MedGen C0950123, MeSH D030342.
Occult macular dystrophy (OCMD). Also called: OMD; OCCULT MACULAR DYSTROPHY, SUSCEPTIBILITY TO. Identifiers: Orphanet 247834, MedGen C3150833, MONDO:0013316, OMIM 613587, HP:0030636.

Allele frequency attached by ClinVar (database versions not stated): 1000 Genomes Project 30x 0.00016; 1000 Genomes Project 0.00020; TOPMed 0.00028; ExAC 0.00033; gnomAD 0.00041; ESP Exome Variant Server 0.00048.
gnomAD v4.1: 993 of 1,614,178 alleles (0.062%); highest among the groups gnomAD compares: Non-Finnish European, 0.074%; no homozygotes.

Submissions (4):

Blueprint Genetics
Classification: Likely benign. Last evaluated: 2024-10-09. Review status: criteria provided, single submitter. Criteria: ACMG Guidelines, 2015. Collection method: clinical testing. Allele origin: germline.

Ambry Genetics
Classification: Uncertain significance for Inborn genetic diseases. Last evaluated: 2024-05-01. Review status: criteria provided, single submitter. Criteria: Ambry Variant Classification Scheme 2023. Collection method: clinical testing. Allele origin: germline.

Revvity Omics, Revvity
Classification: Uncertain significance. Last evaluated: 2021-10-14. Review status: criteria provided, single submitter. Criteria: ACMG Guidelines, 2015. Collection method: clinical testing. Allele origin: germline.

Illumina Laboratory Services, Illumina
Classification: Benign for Occult macular dystrophy. Last evaluated: 2018-01-13. Review status: criteria provided, single submitter. Criteria: ICSL Variant Classification Criteria 13 December 2019. Collection method: clinical testing. Allele origin: germline.
Comment: This variant was observed in the ICSL laboratory as part of a predisposition screen in an ostensibly healthy population. It had not been previously curated by ICSL or reported in the Human Gene Mutation Database (HGMD: prior to June 1st, 2018), and was therefore a candidate for classification through an automated scoring system. Utilizing variant allele frequency, disease prevalence and penetrance estimates, and inheritance mode, an automated score was calculated to assess if this variant is too frequent to cause the disease. Based on the score and internal cut-off values, a variant classified as benign is not then subjected to further curation. The score for this variant resulted in a classification of benign for this disease.